The following is an entry in ClinVar:

ClinVar aggregate classification (germline): Uncertain significance (1 of 4 stars; one submission).

Conditions:
Hereditary cancer-predisposing syndrome. Also called: Neoplastic Syndromes, Hereditary; Tumor predisposition; Hereditary Cancer Syndrome; Hereditary neoplastic syndrome. Identifiers: Orphanet 140162, MedGen C0027672, MeSH D009386, MONDO:0015356.

Submission:

Ambry Genetics
Classification: Uncertain significance for Hereditary cancer-predisposing syndrome. Last evaluated: 2026-01-27. Review status: criteria provided, single submitter. Criteria: Ambry Variant Classification Scheme 2023. Collection method: clinical testing. Allele origin: germline.
Comment: The c.5362_5363delTG variant, located in coding exon 39 of the POLE gene, results from a deletion of two nucleotides at nucleotide positions 5362 to 5363, causing a translational frameshift with a predicted alternate stop codon (p.C1788Lfs*2). This alteration is expected to result in loss of function by premature protein truncation or nonsense-mediated mRNA decay. Although biallelic loss of function of POLE has been associated with autosomal recessive POLE deficiency, haploinsufficiency of POLE has not been established as a mechanism of disease for POLE-related polymerase proofreading-associated polyposis (PPAP) and POLE-related CMMRD-like syndrome. Based on the supporting evidence, this variant is expected to be causative of POLE deficiency when present along with a second pathogenic variant on the other allele; however, its clinical significance for PPAP and POLE-related CMMRD-like syndrome is unclear.

NM_006231.4(POLE):c.5362_5363del (p.Cys1788fs)

Gene: POLE (DNA polymerase epsilon, catalytic subunit; minus strand). Cytogenetic location: 12q24.33.
Variant type: Microsatellite.
Coding change: c.5362_5363del on transcript NM_006231.4 (MANE Select); coding-DNA positions 5362 to 5363, 2 bases deleted (TG; older notation c.5362_5363delTG).
Protein change: p.Cys1788fs; shifts the reading frame from cysteine 1788.
Molecular consequence: frameshift variant.
Genome position (GRCh38, 1-based): chr12:132,641,662-132,641,663, CA deleted on the plus strand (TG on the coding strand, the reverse complement: POLE is on the minus strand); deleting any 2 consecutive bases within chr12:132,641,662-132,641,665 gives the same sequence; the c. name uses the placement nearest the transcript's 3' end. VCF-style (leftmost placement, unchanged base first): chr12-132641661-GCA-G. GRCh37 (hg19) VCF-style: chr12-133218247-GCA-G.
Other names: short protein forms C1788fs.
Identifiers: ClinVar variation 4844262 (VCV004844262.1).
Genomic context (GRCh38, chr12:132,641,661, plus strand): 5'-ATAAGACCCTTCTATTAGTAACACTCCTTCCCAGAGAGGGTGGCACCTGAAGGTGTTAGA[GCA>G]CAGGGCTGTCTCATCGTAGCTGGCCGGGGCACTGGCAGCCTGACCACCCGTGATCATGTC-3'